The following is an entry in ClinVar:

ClinVar aggregate classification (germline): Pathogenic. Review status: criteria provided, single submitter (1 of 4 stars). 2 submissions from 2 submitters: Pathogenic (1). 1 of the submissions does not count toward it. Last evaluated 2019-08-01.

Conditions:
Pulmonary hypertension, primary, 1 (PPH1). Also called: Pulmonary hypertension, familial primary, 1, with or without HHT. Identifiers: Orphanet 422, MedGen C4552070, MONDO:0024533, OMIM 178600.

Submissions (2):

GeneDx
Classification: Pathogenic. Last evaluated: 2019-08-01. Review status: criteria provided, single submitter. Criteria: GeneDx Variant Classification Process June 2021. Collection method: clinical testing. Allele origin: germline. Affected: yes.
Comment: Identified in patients with PAH referred for testing at GeneDx and in published literature (Machado et al., 2015); Not observed in large population cohorts (Lek et al., 2016); Nonsense variant predicted to result in protein truncation or nonsense mediated decay in a gene for which loss-of-function is a known mechanism of disease; This variant is associated with the following publications: (PMID: 26387786)

Rare Disease Genomics Group, St George's University of London
Classification: Pathogenic for Primary pulmonary hypertension. Review status: no assertion criteria provided. Collection method: literature only. Allele origin: germline. Affected: yes. Not counted in ClinVar's aggregate classification.

Literature cited by the submitters: PubMed 26387786 (cited by Rare Disease Genomics Group, St George's University of London).

NM_001204.7(BMPR2):c.541C>T (p.Gln181Ter)

Gene: BMPR2 (bone morphogenetic protein receptor type 2; plus strand). Cytogenetic location: 2q33.2.
Variant type: single nucleotide variant.
Coding change: c.541C>T on transcript NM_001204.7 (MANE Select); coding-DNA position 541, C replaced by T.
Protein change: p.Gln181Ter; replaces glutamine 181 with a stop codon.
Molecular consequence: nonsense.
Genome position (GRCh38, 1-based): chr2:202,514,899, C>T. VCF-style: chr2-202514899-C-T. GRCh37 (hg19) VCF-style: chr2-203379622-C-T.
Other names: c.541C>T, p.Q181* (LRG_712t1); short protein forms Q181*.
Identifiers: ClinVar variation 425803 (VCV000425803.4), dbSNP rs1085307242, ClinGen allele CA350338700.
Genomic context (GRCh38, chr2:202,514,899, plus strand): 5'-TTCATTTTAAGAAAACCATATATTAGTAACCTGTTTCCTGTTCTTATAGGAGACCGTAAA[C>T]AAGGTCTTCACAGTATGAACATGATGGAGGCAGCAGCATCCGAACCCTCTCTTGATCTAG-3'